The following is an entry in ClinVar:

NM_001122630.2(CDKN1C):c.751G>A (p.Ala251Thr)

Gene: CDKN1C (cyclin dependent kinase inhibitor 1C; minus strand). Cytogenetic location: 11p15.4.
Variant type: single nucleotide variant.
Coding change: c.751G>A on transcript NM_001122630.2 (MANE Select); coding-DNA position 751, G replaced by A.
Protein change: p.Ala251Thr; replaces alanine 251 with threonine.
Molecular consequence: missense variant. On other transcripts: intron variant (1).
Genome position (GRCh38, 1-based): chr11:2,884,706, C>T on the plus strand (G>A on the coding strand, the complement: CDKN1C is on the minus strand). VCF-style: chr11-2884706-C-T. GRCh37 (hg19) VCF-style: chr11-2905936-C-T.
Other names: c.784G>A, p.Ala262Thr (NM_000076.2, NM_001362474.2, LRG_533t1); c.751G>A, p.Ala251Thr (NM_001122631.2); c.255+496G>A (NM_001362475.2); short protein forms A262T, A251T.
Identifiers: ClinVar variation 581339 (VCV000581339.10), dbSNP rs1300586071, ClinGen allele CA379145589.

ClinVar aggregate classification (germline): Uncertain significance. Review status: criteria provided, multiple submitters, no conflicts (2 of 4 stars). 2 submissions from 2 submitters: Uncertain significance (2). Last evaluated 2023-10-09.

Conditions:
Beckwith-Wiedemann syndrome (BWS). Also called: Exomphalos macroglossia gigantism syndrome; EMG SYNDROME. Identifiers: Orphanet 116, MedGen C0004903, MONDO:0007534, OMIM 130650.
IMAGe syndrome. Also called: Intrauterine growth retardation, metaphyseal dysplasia, adrenal hypoplasia congenita, and genital anomalies; Intrauterine Growth Restriction, Metaphyseal Dysplasia, Adrenal Hypoplasia Congenita, and Genital Anomalies. Identifiers: Orphanet 85173, MedGen C1846009, MONDO:0013873, OMIM 614732.

Allele frequency attached by ClinVar (database versions not stated): gnomAD exomes below 0.00001 and 0.00001; TOPMed below 0.00001; gnomAD 0.00001.
gnomAD v4.1: 3 of 1,493,862 alleles (0.0002%); highest among the groups gnomAD compares: Admixed American, 0.0021%; no homozygotes.

Submissions (2):

Labcorp Genetics (formerly Invitae), Labcorp
Classification: Uncertain significance for Beckwith-Wiedemann syndrome. Last evaluated: 2023-10-09. Review status: criteria provided, single submitter. Criteria: Invitae Variant Classification Sherloc (09022015). Collection method: clinical testing. Allele origin: germline.
Comment: This sequence change replaces alanine, which is neutral and non-polar, with threonine, which is neutral and polar, at codon 262 of the CDKN1C protein (p.Ala262Thr). The frequency data for this variant in the population databases is considered unreliable, as metrics indicate poor data quality at this position in the gnomAD database. This variant has not been reported in the literature in individuals affected with CDKN1C-related conditions. ClinVar contains an entry for this variant (Variation ID: 581339). Advanced modeling of protein sequence and biophysical properties (such as structural, functional, and spatial information, amino acid conservation, physicochemical variation, residue mobility, and thermodynamic stability) performed at Invitae indicates that this missense variant is not expected to disrupt CDKN1C protein function. In summary, the available evidence is currently insufficient to determine the role of this variant in disease. Therefore, it has been classified as a Variant of Uncertain Significance.

Fulgent Genetics
Classification: Uncertain significance for Beckwith-Wiedemann syndrome; IMAGe syndrome. Last evaluated: 2021-09-08. Review status: criteria provided, single submitter. Criteria: ACMG Guidelines, 2015. Collection method: clinical testing. Allele origin: unknown.